The following is an entry in ClinVar:

ClinVar aggregate classification (germline): Uncertain significance. Review status: criteria provided, multiple submitters, no conflicts (2 of 4 stars). 2 submissions from 2 submitters: Uncertain significance (2). Last evaluated 2025-06-01.

Conditions:
Inborn genetic diseases. Identifiers: MedGen C0950123, MeSH D030342.

Allele frequency attached by ClinVar (database versions not stated): TOPMed below 0.00001; gnomAD 0.00001; gnomAD exomes 0.00001; ExAC 0.00006.
gnomAD v4.1: 24 of 1,614,018 alleles (0.0015%); highest among the groups gnomAD compares: Middle Eastern, 0.016%; no homozygotes.

Submissions (2):

CeGaT Center for Human Genetics Tuebingen
Classification: Uncertain significance. Last evaluated: 2025-06-01. Review status: criteria provided, single submitter. Criteria: CeGaT Center For Human Genetics Tuebingen Variant Classification Criteria Version 2. Collection method: clinical testing. Allele origin: germline. Affected: yes. Observed: 1 variant allele.
Comment: MYO5A: PM2:Supporting

Ambry Genetics
Classification: Uncertain significance for Inborn genetic diseases. Last evaluated: 2023-07-25. Review status: criteria provided, single submitter. Criteria: Ambry Variant Classification Scheme 2023. Collection method: clinical testing. Allele origin: germline.

NM_001382347.1(MYO5A):c.1792G>A (p.Ala598Thr)

Gene: MYO5A (myosin VA; minus strand). Cytogenetic location: 15q21.2.
Variant type: single nucleotide variant.
Coding change: c.1792G>A on transcript NM_001382347.1 (MANE Select); coding-DNA position 1792, G replaced by A.
Protein change: p.Ala598Thr; replaces alanine 598 with threonine.
Molecular consequence: missense variant.
Genome position (GRCh38, 1-based): chr15:52,384,283, C>T on the plus strand (G>A on the coding strand, the complement: MYO5A is on the minus strand). VCF-style: chr15-52384283-C-T. GRCh37 (hg19) VCF-style: chr15-52676480-C-T.
Other names: c.1792G>A, p.Ala598Thr (NM_000259.3, NM_001142495.2, NM_001411135.1); c.1864G>A, p.Ala622Thr (NM_001382348.1, NM_001382349.1); short protein forms A598T, A622T.
Identifiers: ClinVar variation 2601056 (VCV002601056.16), dbSNP rs749812335, ClinGen allele CA7568891.
Genomic context (GRCh38, chr15:52,384,283, plus strand): 5'-TTGCAGGAGTTCGTGTGAGGGGTGTGCGCCCTGAGGAGGTGGCTGAAGTTGGACTGATGG[C>T]CTTCTCATCATCTTGAAATAGTTCTGGTAGCATCTTAAACTAAGTCAGAAACAATATAAA-3'
Protein context (NP_001369276.1, residues 588-608): LPELFQDDEK[Ala598Thr]ISPTSATSSG